The following is an entry in ClinVar:

ClinVar aggregate classification (germline): Uncertain significance (1 of 4 stars; one submission).

Conditions:
Cortical dysplasia-focal epilepsy syndrome (PTHSL1). Also called: Pitt-Hopkins-like syndrome 1. Identifiers: Orphanet 163681, Orphanet 221150, MedGen C2750246, MONDO:0012400, OMIM 610042.

Submission:

Labcorp Genetics (formerly Invitae), Labcorp
Classification: Uncertain significance for Cortical dysplasia-focal epilepsy syndrome. Last evaluated: 2022-04-15. Review status: criteria provided, single submitter. Criteria: Invitae Variant Classification Sherloc (09022015). Collection method: clinical testing. Allele origin: germline.
Comment: This sequence change replaces phenylalanine, which is neutral and non-polar, with leucine, which is neutral and non-polar, at codon 1273 of the CNTNAP2 protein (p.Phe1273Leu). This variant is not present in population databases (gnomAD no frequency). This variant has not been reported in the literature in individuals affected with CNTNAP2-related conditions. Algorithms developed to predict the effect of missense changes on protein structure and function are either unavailable or do not agree on the potential impact of this missense change (SIFT: "Deleterious"; PolyPhen-2: "Benign"; Align-GVGD: "Class C0"). In summary, the available evidence is currently insufficient to determine the role of this variant in disease. Therefore, it has been classified as a Variant of Uncertain Significance.

NM_014141.6(CNTNAP2):c.3817T>C (p.Phe1273Leu)

Gene: CNTNAP2 (contactin associated protein 2; plus strand). Cytogenetic location: 7q36.1.
Variant type: single nucleotide variant.
Coding change: c.3817T>C on transcript NM_014141.6 (MANE Select); coding-DNA position 3817, T replaced by C.
Protein change: p.Phe1273Leu; replaces phenylalanine 1273 with leucine.
Molecular consequence: missense variant.
Genome position (GRCh38, 1-based): chr7:148,415,437, T>C. VCF-style: chr7-148415437-T-C. GRCh37 (hg19) VCF-style: chr7-148112529-T-C.
Other names: short protein forms F1273L.
Identifiers: ClinVar variation 2126457 (VCV002126457.4), dbSNP rs2485759985, ClinGen allele CA369706683.